The following is an entry in ClinVar:

NM_012213.3(MLYCD):c.528+19T>G

Genes: MLYCD (malonyl-CoA decarboxylase; plus strand), LOC130059555 (ATAC-STARR-seq lymphoblastoid silent region 7770; plus strand). Cytogenetic location: 16q23.3.
Variant type: single nucleotide variant.
Coding change: c.528+19T>G on transcript NM_012213.3 (MANE Select); 19 bases into the intron after coding-DNA position 528, T replaced by G.
Molecular consequence: intron variant.
Genome position (GRCh38, 1-based): chr16:83,899,691, T>G. VCF-style: chr16-83899691-T-G. GRCh37 (hg19) VCF-style: chr16-83933296-T-G.
Identifiers: ClinVar variation 513504 (VCV000513504.4), dbSNP rs446036, ClinGen allele CA8197257.

ClinVar aggregate classification (germline): Likely benign. Review status: criteria provided, multiple submitters, no conflicts (2 of 4 stars). 2 submissions from 2 submitters: Likely benign (2). Last evaluated 2024-08-01.

Conditions:
Deficiency of malonyl-CoA decarboxylase. Also called: Malonic aciduria; MCD deficiency. Identifiers: Orphanet 943, MedGen C0342793, MONDO:0009556, OMIM 248360.

Submissions (2):

Labcorp Genetics (formerly Invitae), Labcorp
Classification: Likely benign for Deficiency of malonyl-CoA decarboxylase. Last evaluated: 2024-08-01. Review status: criteria provided, single submitter. Criteria: Invitae Variant Classification Sherloc (09022015). Collection method: clinical testing. Allele origin: germline.

GeneDx
Classification: Likely benign. Last evaluated: 2017-11-27. Review status: criteria provided, single submitter. Criteria: GeneDx Variant Classification (06012015). Collection method: clinical testing. Allele origin: germline. Affected: yes.
Comment: This variant is considered likely benign or benign based on one or more of the following criteria: it is a conservative change, it occurs at a poorly conserved position in the protein, it is predicted to be benign by multiple in silico algorithms, and/or has population frequency not consistent with disease.